The following is an entry in ClinVar:

ClinVar aggregate classification (germline): Uncertain significance. Review status: criteria provided, multiple submitters, no conflicts (2 of 4 stars). 3 submissions from 3 submitters: Uncertain significance (3). Last evaluated 2024-12-06.

Conditions:
Spermatogenic failure 28. Identifiers: MedGen C4748117, MONDO:0054732, OMIM 618086.
Premature ovarian failure 15. Identifiers: MedGen C4748170, MONDO:0054862, OMIM 618096.
Inborn genetic diseases. Identifiers: MedGen C0950123, MeSH D030342.

Allele frequency attached by ClinVar (database versions not stated): gnomAD exomes below 0.00001 and 0.00001; ExAC 0.00002; gnomAD 0.00005; TOPMed 0.00005.
gnomAD v4.1: 12 of 1,610,034 alleles (0.00075%); highest among the groups gnomAD compares: African/African-American, 0.016%; no homozygotes.

Submissions (3):

Ambry Genetics
Classification: Uncertain significance for Inborn genetic diseases. Last evaluated: 2024-12-06. Review status: criteria provided, single submitter. Criteria: Ambry Variant Classification Scheme 2023. Collection method: clinical testing. Allele origin: germline.
Comment: The p.D1284E variant (also known as c.3852T>G), located in coding exon 14 of the FANCM gene, results from a T to G substitution at nucleotide position 3852. The aspartic acid at codon 1284 is replaced by glutamic acid, an amino acid with highly similar properties. This amino acid position is conserved. In addition, this alteration is predicted to be tolerated by in silico analysis. Based on the available evidence, the clinical significance of this variant remains unclear.

GeneDx
Classification: Uncertain significance. Last evaluated: 2023-02-09. Review status: criteria provided, single submitter. Criteria: GeneDx Variant Classification Process June 2021. Collection method: clinical testing. Allele origin: germline. Affected: yes.
Comment: In silico analysis supports that this missense variant does not alter protein structure/function; Has not been previously published as pathogenic or benign to our knowledge

Fulgent Genetics
Classification: Uncertain significance for Spermatogenic failure 28; Premature ovarian failure 15. Last evaluated: 2022-04-16. Review status: criteria provided, single submitter. Criteria: ACMG Guidelines, 2015. Collection method: clinical testing. Allele origin: unknown.

NM_020937.4(FANCM):c.3852T>G (p.Asp1284Glu)

Gene: FANCM (FA complementation group M; plus strand). Cytogenetic location: 14q21.2.
Variant type: single nucleotide variant.
Coding change: c.3852T>G on transcript NM_020937.4 (MANE Select); coding-DNA position 3852, T replaced by G.
Protein change: p.Asp1284Glu; replaces aspartic acid 1284 with glutamic acid.
Molecular consequence: missense variant.
Genome position (GRCh38, 1-based): chr14:45,176,606, T>G. VCF-style: chr14-45176606-T-G. GRCh37 (hg19) VCF-style: chr14-45645809-T-G.
Other names: c.3774T>G, p.Asp1258Glu (NM_001308133.2); short protein forms D1258E, D1284E.
Identifiers: ClinVar variation 1313648 (VCV001313648.5), dbSNP rs778247426, ClinGen allele CA7169584.
Genomic context (GRCh38, chr14:45,176,606, plus strand): 5'-GGAAATTAAGGAGATAAGTGATGCAAATTATGTTTCGAATCAAGCACTAATACCAAGAGA[T>G]CATAGTAAAAATTTTACTAGTGGAACTGTTATTATCCCATCAAATGAAGATATGCAGAAT-3'
Protein context (NP_065988.1, residues 1274-1294): YVSNQALIPR[Asp1284Glu]HSKNFTSGTV